The following is an entry in ClinVar:

NM_000492.4(CFTR):c.1075C>A (p.Gln359Lys)

Gene: CFTR (CF transmembrane conductance regulator; plus strand). Cytogenetic location: 7q31.2.
Variant type: single nucleotide variant.
Coding change: c.1075C>A on transcript NM_000492.4 (MANE Select); coding-DNA position 1075, C replaced by A.
Protein change: p.Gln359Lys; replaces glutamine 359 with lysine.
Molecular consequence: missense variant.
Genome position (GRCh38, 1-based): chr7:117,540,305, C>A. VCF-style: chr7-117540305-C-A. GRCh37 (hg19) VCF-style: chr7-117180359-C-A.
Other names: short protein forms Q359K.
Identifiers: ClinVar variation 7169 (VCV000007169.9), dbSNP rs76879328, ClinGen allele CA353709.
Genomic context (GRCh38, chr7:117,540,305, plus strand): 5'-ACCATCTCATTCTGCATTGTTCTGCGCATGGCGGTCACTCGGCAATTTCCCTGGGCTGTA[C>A]AAACATGGTATGACTCTCTTGGAGCAATAAACAAAATACAGGTAATGTACCATAATGCTG-3'
Protein context (NP_000483.3, residues 349-369): AVTRQFPWAV[Gln359Lys]TWYDSLGAIN

ClinVar aggregate classification (germline): Conflicting classifications of pathogenicity. Review status: criteria provided, conflicting classifications (1 of 4 stars). 4 submissions from 4 submitters: Pathogenic (2); Uncertain significance (2). Last evaluated 2026-05-15.

Conditions:
Hereditary pancreatitis (PCTT). Also called: Hereditary chronic pancreatitis; PRSS1-Related Hereditary Pancreatitis. Identifiers: Orphanet 676, MedGen C0238339, MONDO:0008185, OMIM 167800.
Cystic fibrosis (CF). Also called: MUCOVISCIDOSIS. Identifiers: Orphanet 586, MedGen C0010674, MONDO:0009061, OMIM 219700. Disease mechanism: loss of function.

Submissions (4):

Ambry Genetics
Classification: Pathogenic for Cystic fibrosis. Last evaluated: 2026-05-15. Review status: criteria provided, single submitter. Criteria: Ambry Variant Classification Scheme 2023. Collection method: clinical testing. Allele origin: germline.
Comment: ONLY INCLUDE THIS RD IF PT HAS BOTH p.Q359K AND p.T360K CFTR VARIANTS The p.Q359K pathogenic mutation (also known as c.1075C>A), located in coding exon 8 of the CFTR gene, results from a C to A substitution at nucleotide position 1075. The glutamine at codon 359 is replaced by lysine, an amino acid with similar properties. The p.T360K pathogenic mutation (also known as c.1079C>A), located in coding exon 8 of the CFTR gene, results from a C to A substitution at nucleotide position 1079. The threonine at codon 360 is replaced by lysine, an amino acid with similar properties. These alterations are often described as a part of the complex allele: p.[Q359K;T360K]. p.[Q359K;T360K] has been identified in the homozygous state and/or in conjunction with other CFTR variant(s) in individual(s) with features consistent with cystic fibrosis (Shoshani T et al. Genomics, 1993 Jan;15:236-7; Petrova NV et al. Clin Genet, 2019 Mar;95:444-447). p.[Q359K;T360K] has been reported in multiple individuals with an elevated sweat chloride level in The Clinical and Functional TRanslation of CFTR (CFTR2) database (available at CFTR2. Accessed 05/14/2026). In an assay testing CFTR function, p.[Q359K;T360K] showed a functionally abnormal result (Bihler H et al. J Cyst Fibros, 2024 Jul;23:664-675). This amino acid position is highly conserved in available vertebrate species. In addition, this alteration is predicted to be deleterious by in silico analysis. Based on the supporting evidence, this variant is interpreted as a disease-causing mutation.

Dasa
Classification: Uncertain significance. Last evaluated: 2026-02-20. Review status: criteria provided, single submitter. Criteria: DASA Assertion Criteria. Collection method: clinical testing. Allele origin: germline.
Comment: NM_000492.4(CFTR):c.1075C>A (p.Gln359Lys) is a missense variant that results in the substitution of glutamine with lysine. This variant has been reported in individuals with CFTR-related disorders (PMID: 30033373). Also, this variant is rare in population databases. Computational prediction algorithms are consistent with a deleterious effect. The currently available literature and clinical evidence are not sufficient to establish a definitive association between this variant and the reported condition. Therefore, this variant is classified as a variant of uncertain significance.

Women's Health and Genetics/Laboratory Corporation of America, LabCorp
Classification: Uncertain significance. Last evaluated: 2025-07-10. Review status: criteria provided, single submitter. Criteria: LabCorp Variant Classification Summary - May 2015. Collection method: clinical testing. Allele origin: germline.
Comment: Variant summary: CFTR c.1075C>A (p.Gln359Lys) results in a conservative amino acid change in the encoded protein sequence. Algorithms developed to predict the effect of missense changes on protein structure and function are either unavailable or do not agree on the potential impact of this missense change. The frequency data for this variant in gnomAD is considered unreliable, as metrics indicate poor data quality at this position. c.1075C>A has been observed in individual(s) affected with Cystic Fibrosis. These report(s) do not provide unequivocal conclusions about association of the variant with Cystic Fibrosis. At least one publication reports experimental evidence evaluating an impact on protein function, however, does not allow convincing conclusions about the variant effect. ClinVar contains an entry for this variant (Variation ID: 7169). Based on the evidence outlined above, the variant was classified as uncertain significance.

Mendelics
Classification: Pathogenic for Hereditary pancreatitis. Last evaluated: 2022-05-04. Review status: criteria provided, single submitter. Criteria: Mendelics Assertion Criteria 2019. Collection method: clinical testing. Allele origin: germline.

Literature cited by the submitters: PubMed 30548586 (cited by Ambry Genetics); PubMed 38388235 (cited by Ambry Genetics); PubMed 7679367 (cited by 3 submitters); PubMed 30033373 (cited by Dasa); PubMed 9917439 (cited by Women's Health and Genetics/Laboratory Corporation of America, LabCorp); PubMed 15371903 (cited by Women's Health and Genetics/Laboratory Corporation of America, LabCorp); PubMed 7539210 (cited by Women's Health and Genetics/Laboratory Corporation of America, LabCorp); PubMed 7525963 (cited by Women's Health and Genetics/Laboratory Corporation of America, LabCorp); PubMed 16049310 (cited by Women's Health and Genetics/Laboratory Corporation of America, LabCorp); PubMed 12151438 (cited by Women's Health and Genetics/Laboratory Corporation of America, LabCorp); PubMed 12007216 (cited by Women's Health and Genetics/Laboratory Corporation of America, LabCorp); PubMed 9788722 (cited by Women's Health and Genetics/Laboratory Corporation of America, LabCorp); PubMed 18456578 (cited by Women's Health and Genetics/Laboratory Corporation of America, LabCorp); PubMed 11388756 (cited by Women's Health and Genetics/Laboratory Corporation of America, LabCorp); PubMed 23974870 (cited by Women's Health and Genetics/Laboratory Corporation of America, LabCorp); PubMed 32429104 (cited by Women's Health and Genetics/Laboratory Corporation of America, LabCorp).